The following is an entry in ClinVar:

ClinVar aggregate classification (germline): Pathogenic (1 of 4 stars; one submission).

Conditions:
Mucopolysaccharidosis, MPS-II (MPS2). Also called: Hunter Syndrome; IDURONATE 2-SULFATASE DEFICIENCY; Mucopolysaccharidosis Type II; Mucopolysaccharidosis type 2; Attenuated MPS (subtype; formerly known as mild MPS II); Severe MPS II. Identifiers: Orphanet 580, Orphanet 79388, MedGen C0026705, MONDO:0010674, OMIM 309900.

Submission:

Laboratory of Diagnosis and Therapy of Lysosomal Disorders, University of Padova
Classification: Pathogenic for Mucopolysaccharidosis, MPS-II. Last evaluated: 2024-06-07. Review status: criteria provided, single submitter. Criteria: ACMG Guidelines, 2015. Collection method: literature only. Allele origin: germline. Affected: yes. Observed: 1 variant allele.
Comment: Null variant (PVS1_VeryStrong), Absent from controls (or at low frequency) in gnomAD database (PM2_Moderate), Patient’s phenotype or family history highly specific for the disease (PP4_Strong)

Classification method: ACMG Guidelines [PMID:25741868] with modifications

Literature cited by the submitters: PubMed 9501270.

NM_000202.8(IDS):c.453T>G (p.Tyr151Ter)

Genes: IDS (iduronate 2-sulfatase; minus strand), LOC106050102 (IDS recombination region; plus strand). Cytogenetic location: Xq28.
Variant type: single nucleotide variant.
Coding change: c.453T>G on transcript NM_000202.8 (MANE Select); coding-DNA position 453, T replaced by G.
Protein change: p.Tyr151Ter; replaces tyrosine 151 with a stop codon.
Molecular consequence: nonsense. On other transcripts: non-coding transcript variant (1).
Genome position (GRCh38, 1-based): chrX:149,501,003, A>C on the plus strand (T>G on the coding strand, the complement: IDS is on the minus strand). VCF-style: chrX-149501003-A-C. GRCh37 (hg19) VCF-style: chrX-148582534-A-C.
Other names: c.183T>G, p.Tyr61Ter (NM_001166550.4); c.453T>G, p.Tyr151Ter (NM_006123.5); short protein forms Y151*, Y61*.
Identifiers: ClinVar variation 3255735 (VCV003255735.2).
Genomic context (GRCh38, chrX:149,501,003, plus strand): 5'-CCTTACCTTAGTGTTTTCATACTTCTCAGAGGAAGGATGATAAGGTGGAAAAGACCAGCT[A>C]TACGGAGAATCATCGGTATGGTTAGAAGATATCCCTTGGAAAAAAAAAAAGGTTGTTAAA-3'